The following is an entry in ClinVar:

NM_018263.6(ASXL2):c.595G>A (p.Val199Ile)

Gene: ASXL2 (ASXL transcriptional regulator 2; minus strand). Cytogenetic location: 2p23.3.
Variant type: single nucleotide variant.
Coding change: c.595G>A on transcript NM_018263.6 (MANE Select); coding-DNA position 595, G replaced by A.
Protein change: p.Val199Ile; replaces valine 199 with isoleucine.
Molecular consequence: missense variant. On other transcripts: 5 prime UTR variant (1).
Genome position (GRCh38, 1-based): chr2:25,768,778, C>T on the plus strand (G>A on the coding strand, the complement: ASXL2 is on the minus strand). VCF-style: chr2-25768778-C-T. GRCh37 (hg19) VCF-style: chr2-25991647-C-T.
Other names: c.421G>A, p.Val141Ile (NM_001369346.1); c.-186G>A (NM_001369347.1); short protein forms V141I, V199I.
Identifiers: ClinVar variation 1945316 (VCV001945316.6), dbSNP rs2465339031, ClinGen allele CA346082168.

ClinVar aggregate classification (germline): Uncertain significance. Review status: criteria provided, multiple submitters, no conflicts (2 of 4 stars). 2 submissions from 2 submitters: Uncertain significance (2). Last evaluated 2022-02-11.

Conditions:
Inborn genetic diseases. Identifiers: MedGen C0950123, MeSH D030342.

Allele frequency attached by ClinVar (database versions not stated): gnomAD exomes 0.00001.
gnomAD v4.1: 8 of 1,613,860 alleles (0.0005%); highest among the groups gnomAD compares: Non-Finnish European, 0.00068%; no homozygotes.

Submissions (2):

Labcorp Genetics (formerly Invitae), Labcorp
Classification: Uncertain significance. Last evaluated: 2022-02-11. Review status: criteria provided, single submitter. Criteria: Invitae Variant Classification Sherloc (09022015). Collection method: clinical testing. Allele origin: germline.
Comment: In summary, the available evidence is currently insufficient to determine the role of this variant in disease. Therefore, it has been classified as a Variant of Uncertain Significance. Algorithms developed to predict the effect of missense changes on protein structure and function output the following: SIFT: "Deleterious"; PolyPhen-2: "Not Available"; Align-GVGD: "Class C0". The isoleucine amino acid residue is found in multiple mammalian species, which suggests that this missense change does not adversely affect protein function. This variant has not been reported in the literature in individuals affected with ASXL2-related conditions. This variant is not present in population databases (gnomAD no frequency). This sequence change replaces valine, which is neutral and non-polar, with isoleucine, which is neutral and non-polar, at codon 199 of the ASXL2 protein (p.Val199Ile).

Ambry Genetics
Classification: Uncertain significance for Inborn genetic diseases. Last evaluated: 2021-12-02. Review status: criteria provided, single submitter. Criteria: Ambry Variant Classification Scheme 2023. Collection method: clinical testing. Allele origin: germline.